The following is an entry in ClinVar:

ClinVar aggregate classification (germline): Uncertain significance (1 of 4 stars; one submission).

Conditions:
Baller-Gerold syndrome (BGS). Also called: CRANIOSYNOSTOSIS WITH RADIAL DEFECTS. Identifiers: Orphanet 1225, MedGen C0265308, MONDO:0009039, OMIM 218600.

Allele frequency attached by ClinVar (database versions not stated): TOPMed below 0.00001; gnomAD 0.00001.
gnomAD v4.1: 1 of 1,612,166 alleles (0.000062%); highest among the groups gnomAD compares: African/African-American, 0.0013%; no homozygotes.

Submission:

Labcorp Genetics (formerly Invitae), Labcorp
Classification: Uncertain significance for Baller-Gerold syndrome. Last evaluated: 2017-10-18. Review status: criteria provided, single submitter. Criteria: Invitae Variant Classification Sherloc (09022015). Collection method: clinical testing. Allele origin: germline.
Comment: This variant has not been reported in the literature in individuals with RECQL4-related disease. This variant is not present in population databases (ExAC no frequency). This sequence change replaces histidine with asparagine at codon 615 of the RECQL4 protein (p.His615Asn). The histidine residue is highly conserved and there is a small physicochemical difference between histidine and asparagine. Algorithms developed to predict the effect of missense changes on protein structure and function (SIFT, PolyPhen-2, Align-GVGD) all suggest that this variant is likely to be disruptive, but these predictions have not been confirmed by published functional studies and their clinical significance is uncertain. In summary, the available evidence is currently insufficient to determine the role of this variant in disease. Therefore, it has been classified as a Variant of Uncertain Significance.

NM_004260.4(RECQL4):c.1843C>A (p.His615Asn)

Gene: RECQL4 (RecQ like helicase 4; minus strand). Cytogenetic location: 8q24.3.
Variant type: single nucleotide variant.
Coding change: c.1843C>A on transcript NM_004260.4 (MANE Select); coding-DNA position 1843, C replaced by A.
Protein change: p.His615Asn; replaces histidine 615 with asparagine.
Molecular consequence: missense variant.
Genome position (GRCh38, 1-based): chr8:144,514,224, G>T on the plus strand (C>A on the coding strand, the complement: RECQL4 is on the minus strand). VCF-style: chr8-144514224-G-T. GRCh37 (hg19) VCF-style: chr8-145739608-G-T.
Other names: short protein forms H615N.
Identifiers: ClinVar variation 528926 (VCV000528926.4), dbSNP rs1355971313, ClinGen allele CA372680680.